The following is an entry in ClinVar:

NM_022455.5(NSD1):c.105T>G (p.Gly35=)

Gene: NSD1 (nuclear receptor binding SET domain protein 1; plus strand). Cytogenetic location: 5q35.3.
Variant type: single nucleotide variant.
Coding change: c.105T>G on transcript NM_022455.5 (MANE Select); coding-DNA position 105, T replaced by G.
Protein change: p.Gly35=; no amino-acid change (glycine 35 retained).
Molecular consequence: synonymous variant. On other transcripts: intron variant (7).
Genome position (GRCh38, 1-based): chr5:177,135,208, T>G. VCF-style: chr5-177135208-T-G. GRCh37 (hg19) VCF-style: chr5-176562209-T-G.
Other names: c.105T>G, p.Gly35= (NM_001409301.1, NM_001409302.1, NM_001409303.1 and 1 more transcripts); c.-37+8T>G (NM_001409305.1, NM_001409306.1, NM_001409308.1 and 4 more transcripts).
Identifiers: ClinVar variation 1305104 (VCV001305104.2), dbSNP rs2149755343, ClinGen allele CA447959417.

ClinVar aggregate classification (germline): Uncertain significance (1 of 4 stars; one submission).

Submission:

GeneDx
Classification: Uncertain significance. Last evaluated: 2019-04-23. Review status: criteria provided, single submitter. Criteria: GeneDx Variant Classification Process June 2021. Collection method: clinical testing. Allele origin: germline. Affected: yes.
Comment: Not observed in large population cohorts (Lek et al., 2016); In silico analysis, which includes splice predictors and evolutionary conservation, supports that this variant does not alter protein structure/function; Has not been previously published as pathogenic or benign to our knowledge